The following is an entry in ClinVar:

ClinVar aggregate classification (germline): Uncertain significance. Review status: criteria provided, multiple submitters, no conflicts (2 of 4 stars). 2 submissions from 2 submitters: Uncertain significance (2). Last evaluated 2026-04-23.

Conditions:
Hereditary cancer-predisposing syndrome. Also called: Tumor predisposition; Hereditary neoplastic syndrome; Neoplastic Syndromes, Hereditary; Hereditary Cancer Syndrome. Identifiers: Orphanet 140162, MedGen C0027672, MeSH D009386, MONDO:0015356.

Submissions (2):

Ambry Genetics
Classification: Uncertain significance for Hereditary cancer-predisposing syndrome. Last evaluated: 2026-04-23. Review status: criteria provided, single submitter. Criteria: Ambry Variant Classification Scheme 2023. Collection method: clinical testing. Allele origin: germline.
Comment: The p.R1372C variant (also known as c.4114C>T), located in coding exon 28 of the SMARCA4 gene, results from a C to T substitution at nucleotide position 4114. The arginine at codon 1372 is replaced by cysteine, an amino acid with highly dissimilar properties. This variant was reported in individual(s) with features consistent with Coffin-Siris syndrome (Peterlin A et al. Life (Basel), 2024 Sep;14:). This amino acid position is highly conserved in available vertebrate species. In addition, this alteration is predicted to be deleterious by in silico analysis. Based on the available evidence, the clinical significance of this variant remains unclear.

GeneDx
Classification: Uncertain significance. Last evaluated: 2023-04-27. Review status: criteria provided, single submitter. Criteria: GeneDx Variant Classification Process June 2021. Collection method: clinical testing. Allele origin: germline. Affected: yes.
Comment: Not observed at significant frequency in large population cohorts (gnomAD); In silico analysis supports that this missense variant has a deleterious effect on protein structure/function; Has not been previously published as pathogenic or benign to our knowledge

Literature cited by the submitters: PubMed 39337901 (cited by Ambry Genetics).

NM_003072.5(SMARCA4):c.4114C>T (p.Arg1372Cys)

Gene: SMARCA4 (SWI/SNF related BAF chromatin remodeling complex subunit ATPase 4; plus strand). Cytogenetic location: 19p13.2.
Variant type: single nucleotide variant.
Coding change: c.4114C>T on transcript NM_003072.5 (MANE Select); coding-DNA position 4114, C replaced by T.
Protein change: p.Arg1372Cys; replaces arginine 1372 with cysteine.
Molecular consequence: missense variant. On other transcripts: non-coding transcript variant (1).
Genome position (GRCh38, 1-based): chr19:11,035,076, C>T. VCF-style: chr19-11035076-C-T. GRCh37 (hg19) VCF-style: chr19-11145752-C-T.
Other names: c.4114C>T, p.Arg1372Cys (NM_001128844.3, NM_001128849.3, NM_001387283.1); c.4015C>T, p.Arg1339Cys (NM_001128845.2, NM_001128846.2, NM_001128847.4 and 3 more transcripts); short protein forms R1339C, R1372C.
Identifiers: ClinVar variation 2663671 (VCV002663671.2), dbSNP rs2146702470, ClinGen allele CA404068412.
Genomic context (GRCh38, chr19:11,035,076, plus strand): 5'-GCGGAGGTGGAGCGGCTGACCTGTGAGGAGGAGGAGGAGAAGATGTTCGGCCGTGGCTCC[C>T]GCCACCGCAAGGAGGTGGACTACAGCGACTCACTGACGGAGAAGCAGTGGCTCAAGGTAC-3'
Protein context (NP_003063.2, residues 1362-1382): EEEKMFGRGS[Arg1372Cys]HRKEVDYSDS